The following is an entry in ClinVar:

ClinVar aggregate classification (germline): Uncertain significance. Review status: criteria provided, multiple submitters, no conflicts (2 of 4 stars). 2 submissions from 2 submitters: Uncertain significance (2). Last evaluated 2026-07-29.

Conditions:
Cardiovascular phenotype. Identifiers: MedGen CN230736.

Submissions (2):

Ambry Genetics
Classification: Uncertain significance for Cardiovascular phenotype. Last evaluated: 2026-07-29. Review status: criteria provided, single submitter. Criteria: Ambry Variant Classification Scheme 2023. Collection method: clinical testing. Allele origin: germline.

Labcorp Genetics (formerly Invitae), Labcorp
Classification: Uncertain significance. Last evaluated: 2022-08-10. Review status: criteria provided, single submitter. Criteria: Invitae Variant Classification Sherloc (09022015). Collection method: clinical testing. Allele origin: germline.
Comment: In summary, the available evidence is currently insufficient to determine the role of this variant in disease. Therefore, it has been classified as a Variant of Uncertain Significance. Algorithms developed to predict the effect of missense changes on protein structure and function (SIFT, PolyPhen-2, Align-GVGD) all suggest that this variant is likely to be tolerated. This variant has not been reported in the literature in individuals affected with ALPK3-related conditions. This variant is not present in population databases (gnomAD no frequency). This sequence change replaces threonine, which is neutral and polar, with serine, which is neutral and polar, at codon 673 of the ALPK3 protein (p.Thr673Ser).

NM_020778.5(ALPK3):c.1412C>G (p.Thr471Ser)

Gene: ALPK3 (alpha kinase 3; plus strand). Cytogenetic location: 15q25.3.
Variant type: single nucleotide variant.
Coding change: c.1412C>G on transcript NM_020778.5 (MANE Select); coding-DNA position 1412, C replaced by G.
Protein change: p.Thr471Ser; replaces threonine 471 with serine.
Molecular consequence: missense variant.
Genome position (GRCh38, 1-based): chr15:84,840,691, C>G. VCF-style: chr15-84840691-C-G. GRCh37 (hg19) VCF-style: chr15-85383922-C-G.
Other names: c.2018C>G (NM_020778.4); short protein forms T471S.
Identifiers: ClinVar variation 1964043 (VCV001964043.6), dbSNP rs143709902, ClinGen allele CA393375568.